The following is an entry in ClinVar:

NM_001330260.2(SCN8A):c.1998+1G>A

Gene: SCN8A (sodium voltage-gated channel alpha subunit 8; plus strand). Cytogenetic location: 12q13.13.
Variant type: single nucleotide variant.
Coding change: c.1998+1G>A on transcript NM_001330260.2 (MANE Select); the canonical splice donor site of the intron after coding-DNA position 1998, G replaced by A.
Molecular consequence: splice donor variant.
Genome position (GRCh38, 1-based): chr12:51,721,909, G>A. VCF-style: chr12-51721909-G-A. GRCh37 (hg19) VCF-style: chr12-52115693-G-A.
Other names: c.1998+1G>A (NM_001177984.3, NM_001369788.1, NM_014191.4).
Identifiers: ClinVar variation 4874188 (VCV004874188.2).

ClinVar aggregate classification (germline): Likely benign (1 of 4 stars; one submission).

gnomAD v4.1: 3 of 1,600,010 alleles (0.00019%); highest among the groups gnomAD compares: Non-Finnish European, 0.00025%; no homozygotes.

Submission:

CeGaT Center for Human Genetics Tuebingen
Classification: Likely benign. Last evaluated: 2026-05-01. Review status: criteria provided, single submitter. Criteria: CeGaT Center For Human Genetics Tuebingen Variant Classification Criteria Version 2. Collection method: clinical testing. Allele origin: germline. Affected: yes. Observed: 1 variant allele.
Comment: SCN8A: PVS1:Moderate, BS2